The following is an entry in ClinVar:

NM_022835.3(PLEKHG2):c.896G>A (p.Arg299Gln)

Gene: PLEKHG2 (pleckstrin homology and RhoGEF domain containing G2; plus strand). Cytogenetic location: 19q13.2.
Variant type: single nucleotide variant.
Coding change: c.896G>A on transcript NM_022835.3 (MANE Select); coding-DNA position 896, G replaced by A.
Protein change: p.Arg299Gln; replaces arginine 299 with glutamine.
Molecular consequence: missense variant.
Genome position (GRCh38, 1-based): chr19:39,417,918, G>A. VCF-style: chr19-39417918-G-A. GRCh37 (hg19) VCF-style: chr19-39908558-G-A.
Other names: c.719G>A, p.Arg240Gln (NM_001351693.2); c.896G>A, p.Arg299Gln (NM_001351694.2); short protein forms R299Q, R240Q.
Identifiers: ClinVar variation 3934116 (VCV003934116.2).

ClinVar aggregate classification (germline): Uncertain significance. Review status: criteria provided, multiple submitters, no conflicts (2 of 4 stars). 2 submissions from 2 submitters: Uncertain significance (2). Last evaluated 2025-05-09.

Submissions (2):

GeneDx
Classification: Uncertain significance. Last evaluated: 2025-05-09. Review status: criteria provided, single submitter. Criteria: GeneDx Variant Classification Process June 2021. Collection method: clinical testing. Allele origin: germline. Affected: yes.
Comment: In silico analysis suggests that this missense variant does not alter protein structure/function; Has not been previously published as pathogenic or benign to our knowledge

Ambry Genetics
Classification: Uncertain significance. Last evaluated: 2025-03-23. Review status: criteria provided, single submitter. Criteria: Ambry Variant Classification Scheme 2023. Collection method: clinical testing. Allele origin: germline.